The following is an entry in ClinVar:

NM_001282116.2(RFX3):c.1594G>A (p.Ala532Thr)

Gene: RFX3 (regulatory factor X3; minus strand). Cytogenetic location: 9p24.2.
Variant type: single nucleotide variant.
Coding change: c.1594G>A on transcript NM_001282116.2 (MANE Select); coding-DNA position 1594, G replaced by A.
Protein change: p.Ala532Thr; replaces alanine 532 with threonine.
Molecular consequence: missense variant.
Genome position (GRCh38, 1-based): chr9:3,262,946, C>T on the plus strand (G>A on the coding strand, the complement: RFX3 is on the minus strand). VCF-style: chr9-3262946-C-T. GRCh37 (hg19) VCF-style: chr9-3262946-C-T.
Other names: c.1594G>A, p.Ala532Thr (NM_001377999.1, NM_002919.4, NM_134428.3); short protein forms A532T.
Identifiers: ClinVar variation 4532449 (VCV004532449.1).

ClinVar aggregate classification (germline): Uncertain significance (1 of 4 stars; one submission).

gnomAD v4.1: 2 of 1,613,250 alleles (0.00012%); highest among the groups gnomAD compares: Admixed American, 0.0017%; no homozygotes.

Submission:

GeneDx
Classification: Uncertain significance. Last evaluated: 2025-05-28. Review status: criteria provided, single submitter. Criteria: GeneDx Variant Classification Process June 2021. Collection method: clinical testing. Allele origin: germline. Affected: yes.
Comment: Not observed at significant frequency in large population cohorts (gnomAD); In silico analysis suggests that this missense variant does not alter protein structure/function; Has not been previously published as pathogenic or benign to our knowledge